The following is an entry in ClinVar:

NM_001897.5(CSPG4):c.914C>T (p.Thr305Met)

Gene: CSPG4 (chondroitin sulfate proteoglycan 4; minus strand). Cytogenetic location: 15q24.2.
Variant type: single nucleotide variant.
Coding change: c.914C>T on transcript NM_001897.5 (MANE Select); coding-DNA position 914, C replaced by T.
Protein change: p.Thr305Met; replaces threonine 305 with methionine.
Molecular consequence: missense variant.
Genome position (GRCh38, 1-based): chr15:75,690,151, G>A on the plus strand (C>T on the coding strand, the complement: CSPG4 is on the minus strand). VCF-style: chr15-75690151-G-A. GRCh37 (hg19) VCF-style: chr15-75982492-G-A.
Other names: short protein forms T305M.
Identifiers: ClinVar variation 402567 (VCV000402567.5), dbSNP rs76827801, ClinGen allele CA7670739.

ClinVar aggregate classification (germline): Benign. Review status: criteria provided, multiple submitters, no conflicts (2 of 4 stars). 2 submissions from 2 submitters: Benign (2). Last evaluated 2016-03-28.

Allele frequency attached by ClinVar (database versions not stated): gnomAD 0.00909 and 0.00969; ExAC 0.02078.

Submissions (2):

Laboratory for Molecular Medicine, Mass General Brigham Personalized Medicine
Classification: Benign. Last evaluated: 2016-03-28. Review status: criteria provided, single submitter. Criteria: LMM Criteria. Collection method: clinical testing. Allele origin: germline.
Comment: Variant identified in a genome or exome case(s) and assessed due to predicted null impact of the variant or pathogenic assertions in the literature or databases. Disclaimer: This variant has not undergone full assessment. The following are preliminary notes: Frequency

Breakthrough Genomics
Classification: Benign. Review status: criteria provided, single submitter. Criteria: ACMG Guidelines, 2015. Collection method: not provided. Allele origin: germline. Inheritance: Unknown mechanism. Affected: yes.